The following is an entry in ClinVar:

NM_001267550.2(TTN):c.103088C>T (p.Pro34363Leu)

Genes: TTN-AS1 (TTN antisense RNA 1; plus strand), TTN (titin; minus strand). Cytogenetic location: 2q31.2.
Variant type: single nucleotide variant.
Coding change: c.103088C>T on transcript NM_001267550.2 (MANE Select); coding-DNA position 103088, C replaced by T.
Protein change: p.Pro34363Leu; replaces proline 34363 with leucine.
Molecular consequence: missense variant.
Genome position (GRCh38, 1-based): chr2:178,533,527, G>A on the plus strand (C>T on the coding strand, the complement: TTN is on the minus strand). VCF-style: chr2-178533527-G-A. GRCh37 (hg19) VCF-style: chr2-179398254-G-A.
Other names: c.98165C>T, p.Pro32722Leu (NM_001256850.1); c.75893C>T, p.Pro25298Leu (NM_003319.4); c.95384C>T, p.Pro31795Leu (NM_133378.4); c.76268C>T, p.Pro25423Leu (NM_133432.3); c.76469C>T, p.Pro25490Leu (NM_133437.4); short protein forms P25298L, P25423L, P31795L, P32722L, P34363L, P25490L.
Identifiers: ClinVar variation 940002 (VCV000940002.8), dbSNP rs1457631231, ClinGen allele CA349415228.

ClinVar aggregate classification (germline): Uncertain significance (1 of 4 stars; one submission).

Conditions:
Dilated cardiomyopathy 1G (CMD1G). Identifiers: Orphanet 154, MedGen C1858763, MONDO:0011400, OMIM 604145.
Autosomal recessive limb-girdle muscular dystrophy type 2J (LGMDR10). Also called: Limb-girdle muscular dystrophy, type 2J; MUSCULAR DYSTROPHY, LIMB-GIRDLE, AUTOSOMAL RECESSIVE 10. Identifiers: Orphanet 140922, MedGen C1837342, MONDO:0012127, OMIM 608807.

Allele frequency attached by ClinVar (database versions not stated): TOPMed below 0.00001; gnomAD 0.00001.
gnomAD v4.1: 1 of 1,613,640 alleles (0.000062%); highest among the groups gnomAD compares: Non-Finnish European, 0.000085%; no homozygotes.

Submission:

Labcorp Genetics (formerly Invitae), Labcorp
Classification: Uncertain significance for Dilated cardiomyopathy 1G; Autosomal recessive limb-girdle muscular dystrophy type 2J. Last evaluated: 2019-06-03. Review status: criteria provided, single submitter. Criteria: Invitae Variant Classification Sherloc (09022015). Collection method: clinical testing. Allele origin: germline.
Comment: This variant is located in the M band of TTN (PMID: 25589632). Variants in this region may be relevant for neuromuscular disorders, but have not been definitively shown to cause cardiomyopathy (PMID: 23975875). Algorithms developed to predict the effect of missense changes on protein structure and function are unavailable for the TTN gene. In summary, the available evidence is currently insufficient to determine the role of this variant in disease. Therefore, it has been classified as a Variant of Uncertain Significance. This variant has not been reported in the literature in individuals with TTN-related conditions. This variant is not present in population databases (ExAC no frequency). This sequence change replaces proline with leucine at codon 34363 of the TTN protein (p.Pro34363Leu). There is a moderate physicochemical difference between proline and leucine.

Literature cited by the submitters: PubMed 25589632; PubMed 23975875.